The following is an entry in ClinVar:

ClinVar aggregate classification (germline): Uncertain significance (1 of 4 stars; one submission).

Conditions:
Danon disease. Also called: PSEUDOGLYCOGENOSIS II; GSD IIb; LYSOSOMAL GLYCOGEN STORAGE DISEASE WITHOUT ACID MALTASE DEFICIENCY; ANTOPOL DISEASE; Glycogen Storage Disease Type IIb. Identifiers: Orphanet 34587, MedGen C0878677, MONDO:0010281, OMIM 300257.

Submission:

Labcorp Genetics (formerly Invitae), Labcorp
Classification: Uncertain significance for Danon disease. Last evaluated: 2023-04-05. Review status: criteria provided, single submitter. Criteria: Invitae Variant Classification Sherloc (09022015). Collection method: clinical testing. Allele origin: germline.
Comment: This sequence change replaces threonine, which is neutral and polar, with proline, which is neutral and non-polar, at codon 120 of the LAMP2 protein (p.Thr120Pro). This variant is not present in population databases (gnomAD no frequency). This variant has not been reported in the literature in individuals affected with LAMP2-related conditions. ClinVar contains an entry for this variant (Variation ID: 2062453). Advanced modeling of protein sequence and biophysical properties (such as structural, functional, and spatial information, amino acid conservation, physicochemical variation, residue mobility, and thermodynamic stability) performed at Invitae indicates that this missense variant is expected to disrupt LAMP2 protein function. In summary, the available evidence is currently insufficient to determine the role of this variant in disease. Therefore, it has been classified as a Variant of Uncertain Significance.

NM_002294.3(LAMP2):c.358A>C (p.Thr120Pro)

Gene: LAMP2 (lysosome associated membrane protein 2; minus strand). Cytogenetic location: Xq24.
Variant type: single nucleotide variant.
Coding change: c.358A>C on transcript NM_002294.3 (MANE Select); coding-DNA position 358, A replaced by C.
Protein change: p.Thr120Pro; replaces threonine 120 with proline.
Molecular consequence: missense variant.
Genome position (GRCh38, 1-based): chrX:120,455,396, T>G on the plus strand (A>C on the coding strand, the complement: LAMP2 is on the minus strand). VCF-style: chrX-120455396-T-G. GRCh37 (hg19) VCF-style: chrX-119589251-T-G.
Other names: c.358A>C, p.Thr120Pro (NM_001122606.1, NM_013995.2); short protein forms T120P.
Identifiers: ClinVar variation 2062453 (VCV002062453.4), dbSNP rs1921042918, ClinGen allele CA414402860.
Genomic context (GRCh38, chrX:120,455,396, plus strand): 5'-CAAATCCATTCTTAAGGTTACCTTTATCTTCAGCATCAGGAAATGTTGTGTTATCACCAG[T>G]GTTGTAGGAAAATGAGACGCTGTCAATTGAATAAGTAGATGCTGCCTTGGTAAAATTCGC-3'
Protein context (NP_002285.1, residues 110-130): SIDSVSFSYN[Thr120Pro]GDNTTFPDAE